The following is an entry in ClinVar:

ClinVar aggregate classification (germline): Uncertain significance (1 of 4 stars; one submission).

Conditions:
Hereditary cancer-predisposing syndrome. Also called: Hereditary neoplastic syndrome; Neoplastic Syndromes, Hereditary; Tumor predisposition; Hereditary Cancer Syndrome. Identifiers: Orphanet 140162, MedGen C0027672, MeSH D009386, MONDO:0015356.

Submission:

Ambry Genetics
Classification: Uncertain significance for Hereditary cancer-predisposing syndrome. Last evaluated: 2025-08-27. Review status: criteria provided, single submitter. Criteria: Ambry Variant Classification Scheme 2023. Collection method: clinical testing. Allele origin: germline.
Comment: The p.S543R variant (also known as c.1629C>A), located in coding exon 16 of the MUTYH gene, results from a C to A substitution at nucleotide position 1629. The serine at codon 543 is replaced by arginine, an amino acid with dissimilar properties. This amino acid position is conserved. In addition, this alteration is predicted to be tolerated by in silico analysis. Based on the available evidence, the clinical significance of this variant remains unclear.

NM_001048174.2(MUTYH):c.1545C>A (p.Ser515Arg)

Gene: MUTYH (mutY DNA glycosylase; minus strand). Cytogenetic location: 1p34.1.
Variant type: single nucleotide variant.
Coding change: c.1545C>A on transcript NM_001048174.2 (MANE Select); coding-DNA position 1545, C replaced by A.
Protein change: p.Ser515Arg; replaces serine 515 with arginine.
Molecular consequence: missense variant. On other transcripts: non-coding transcript variant (7).
Genome position (GRCh38, 1-based): chr1:45,329,327, G>T on the plus strand (C>A on the coding strand, the complement: MUTYH is on the minus strand). VCF-style: chr1-45329327-G-T. GRCh37 (hg19) VCF-style: chr1-45794999-G-T.
Other names: c.1620C>A, p.Ser540Arg (NM_012222.3); c.1545C>A, p.Ser515Arg (NM_001407081.1, NM_001407088.1, NM_001407089.1 and 6 more transcripts); c.1587C>A, p.Ser529Arg (NM_001407085.1, NM_001407083.1); c.1548C>A, p.Ser516Arg (NM_001407086.1, NM_001048172.2, NM_001407071.1 and 1 more transcripts); c.1566C>A, p.Ser522Arg (NM_001407087.1); c.1200C>A, p.Ser400Arg (NM_001407082.1, NM_001350650.2, NM_001350651.2); c.1269C>A, p.Ser423Arg (NM_001407091.1, NM_001293192.2, NM_001293196.2); c.1629C>A, p.Ser543Arg (NM_001128425.2); and 5 more; short protein forms S400R, S515R, S516R, S522R, S543R, S423R, S487R, S502R.
Identifiers: ClinVar variation 4113465 (VCV004113465.1).